The following is an entry in ClinVar:

ClinVar aggregate classification (germline): Benign/Likely benign. Review status: criteria provided, multiple submitters, no conflicts (2 of 4 stars). 2 submissions from 2 submitters: Benign (1); Likely benign (1). Last evaluated 2024-11-20.

Conditions:
Holoprosencephaly 11 (HPE11). Identifiers: Orphanet 2162, MedGen C3280215, MONDO:0013642, OMIM 614226.

Allele frequency attached by ClinVar (database versions not stated): 1000 Genomes Project 0.00120; 1000 Genomes Project 30x 0.00125; gnomAD 0.00234 and 0.00242; ExAC 0.00245; TOPMed 0.00263; ESP Exome Variant Server 0.00400.
gnomAD v4.1: 5,962 of 1,613,740 alleles (0.37%); highest among the groups gnomAD compares: Non-Finnish European, 0.46%; 13 homozygotes.

Submissions (2):

Blueprint Genetics
Classification: Likely benign. Last evaluated: 2024-11-20. Review status: criteria provided, single submitter. Criteria: ACMG Guidelines, 2015. Collection method: clinical testing. Allele origin: germline.

Illumina Laboratory Services, Illumina
Classification: Benign for Holoprosencephaly 11. Last evaluated: 2018-01-13. Review status: criteria provided, single submitter. Criteria: ICSL Variant Classification Criteria 13 December 2019. Collection method: clinical testing. Allele origin: germline.
Comment: This variant was observed in the ICSL laboratory as part of a predisposition screen in an ostensibly healthy population. It had not been previously curated by ICSL or reported in the Human Gene Mutation Database (HGMD: prior to June 1st, 2018), and was therefore a candidate for classification through an automated scoring system. Utilizing variant allele frequency, disease prevalence and penetrance estimates, and inheritance mode, an automated score was calculated to assess if this variant is too frequent to cause the disease. Based on the score and internal cut-off values, a variant classified as benign is not then subjected to further curation. The score for this variant resulted in a classification of benign for this disease.

NM_001378964.1(CDON):c.*12C>T

Gene: CDON (cell adhesion associated, oncogene regulated; minus strand). Cytogenetic location: 11q24.2.
Variant type: single nucleotide variant.
Coding change: c.*12C>T on transcript NM_001378964.1 (MANE Select); 12 bases downstream of the stop codon, C replaced by T.
Molecular consequence: 3 prime UTR variant.
Genome position (GRCh38, 1-based): chr11:125,960,930, G>A on the plus strand (C>T on the coding strand, the complement: CDON is on the minus strand). VCF-style: chr11-125960930-G-A. GRCh37 (hg19) VCF-style: chr11-125830825-G-A.
Other names: c.*12C>T (NM_001243597.3, NM_016952.6).
Identifiers: ClinVar variation 303489 (VCV000303489.6), dbSNP rs200595011, ClinGen allele CA6351281.
Genomic context (GRCh38, chr11:125,960,930, plus strand): 5'-CAGTTCGCTCCCAGGCCTGTTGTGTGCAGTTACCGGCTTGAAGTTGGAACATGACTGGTT[G>A]TTTGCATGTCCTCAGGTTTCCCGGGGCTGCTGAAGGACCTCTGTCGGGCTGTCTAAAGGA-3'